The following is an entry in ClinVar:

NM_018127.7(ELAC2):c.1988A>G (p.Tyr663Cys)

Gene: ELAC2 (elaC ribonuclease Z 2; minus strand). Cytogenetic location: 17p12.
Variant type: single nucleotide variant.
Coding change: c.1988A>G on transcript NM_018127.7 (MANE Select); coding-DNA position 1988, A replaced by G.
Protein change: p.Tyr663Cys; replaces tyrosine 663 with cysteine.
Molecular consequence: missense variant.
Genome position (GRCh38, 1-based): chr17:12,994,805, T>C on the plus strand (A>G on the coding strand, the complement: ELAC2 is on the minus strand). VCF-style: chr17-12994805-T-C. GRCh37 (hg19) VCF-style: chr17-12898122-T-C.
Other names: c.1868A>G, p.Tyr623Cys (NM_001165962.2); c.1985A>G, p.Tyr662Cys (NM_173717.2); short protein forms Y662C, Y623C, Y663C.
Identifiers: ClinVar variation 1374759 (VCV001374759.5), dbSNP rs781379178, ClinGen allele CA398223073.

ClinVar aggregate classification (germline): Uncertain significance (1 of 4 stars; one submission).

Conditions:
Combined oxidative phosphorylation defect type 17. Also called: Combined oxidative phosphorylation deficiency 17. Identifiers: Orphanet 369913, MedGen C3809526, MONDO:0014190, OMIM 615440.

Allele frequency attached by ClinVar (database versions not stated): gnomAD exomes 0.00001; TOPMed 0.00001.
gnomAD v4.1: 32 of 1,614,036 alleles (0.002%); highest among the groups gnomAD compares: Non-Finnish European, 0.0025%; no homozygotes.

Submission:

Labcorp Genetics (formerly Invitae), Labcorp
Classification: Uncertain significance for Combined oxidative phosphorylation defect type 17. Last evaluated: 2021-09-01. Review status: criteria provided, single submitter. Criteria: Invitae Variant Classification Sherloc (09022015). Collection method: clinical testing. Allele origin: germline.
Comment: This sequence change replaces tyrosine with cysteine at codon 663 of the ELAC2 protein (p.Tyr663Cys). The tyrosine residue is highly conserved and there is a large physicochemical difference between tyrosine and cysteine. This variant is not present in population databases (ExAC no frequency). This variant has not been reported in the literature in individuals affected with ELAC2-related conditions. Algorithms developed to predict the effect of missense changes on protein structure and function (SIFT, PolyPhen-2, Align-GVGD) all suggest that this variant is likely to be disruptive. In summary, the available evidence is currently insufficient to determine the role of this variant in disease. Therefore, it has been classified as a Variant of Uncertain Significance.